The following is an entry in ClinVar:

NM_153717.3(EVC):c.1097del (p.Leu366fs)

Gene: EVC (EvC ciliary complex subunit 1; plus strand). Cytogenetic location: 4p16.2.
Variant type: Deletion.
Coding change: c.1097del on transcript NM_153717.3 (MANE Select); coding-DNA position 1097, one base deleted (T; older notation c.1097delT).
Protein change: p.Leu366fs; shifts the reading frame from leucine 366.
Molecular consequence: frameshift variant.
Genome position (GRCh38, 1-based): chr4:5,748,305, T deleted. VCF-style (leftmost placement, unchanged base first): chr4-5748304-CT-C. GRCh37 (hg19) VCF-style: chr4-5750031-CT-C.
Other names: c.1097del, p.Leu366fs (NM_001306090.2, NM_001306092.2); short protein forms L366fs.
Identifiers: ClinVar variation 5014252 (VCV005014252.1).

ClinVar aggregate classification (germline): Pathogenic (1 of 4 stars; one submission).

Conditions:
Ellis-van Creveld syndrome (EVC). Also called: MESOECTODERMAL DYSPLASIA; Chondroectodermal dysplasia. Identifiers: Orphanet 289, MedGen C0013903, MONDO:0009162, OMIM 225500.

Submission:

Myriad Genetics, Inc.
Classification: Pathogenic for Ellis-van Creveld syndrome. Last evaluated: 2025-03-23. Review status: criteria provided, single submitter. Criteria: Myriad Autosomal Dominant, Autosomal Recessive and X-Linked Classification Criteria (2023). Collection method: clinical testing. Allele origin: unknown.
Comment: NM_153717.2(EVC):c.1097delT(L366Rfs*16) is expected to be pathogenic in the context of EVC-related Ellis-van Creveld syndrome. This variant is predicted to lead to an abnormal or absent protein product due to the creation of a premature termination codon in EVC, a gene where loss-of-function variants are known to be pathogenic. Please note: this variant was assessed in the context of healthy population screening.